The following is an entry in ClinVar:

NM_198529.4(EFCAB5):c.504G>C (p.Leu168=)

Gene: EFCAB5 (EF-hand calcium binding domain 5; plus strand). Cytogenetic location: 17q11.2.
Variant type: single nucleotide variant.
Coding change: c.504G>C on transcript NM_198529.4 (MANE Select); coding-DNA position 504, G replaced by C.
Protein change: p.Leu168=; no amino-acid change (leucine 168 retained).
Molecular consequence: synonymous variant. On other transcripts: non-coding transcript variant (1).
Genome position (GRCh38, 1-based): chr17:29,969,104, G>C. VCF-style: chr17-29969104-G-C. GRCh37 (hg19) VCF-style: chr17-28296122-G-C.
Other names: c.336G>C, p.Leu112= (NM_001145053.2).
Identifiers: ClinVar variation 2647618 (VCV002647618.24), dbSNP rs112588760, ClinGen allele CA8478580.

ClinVar aggregate classification (germline): Likely benign (1 of 4 stars; one submission).

Allele frequency attached by ClinVar (database versions not stated): 1000 Genomes Project 0.00319; 1000 Genomes Project 30x 0.00437; ExAC 0.00454; TOPMed 0.00464; gnomAD 0.00476; ESP Exome Variant Server 0.00539; gnomAD exomes 0.00550.
gnomAD v4.1: 8,712 of 1,613,764 alleles (0.54%); highest among the groups gnomAD compares: Non-Finnish European, 0.64%; 33 homozygotes.

Submission:

CeGaT Center for Human Genetics Tuebingen
Classification: Likely benign. Last evaluated: 2023-03-01. Review status: criteria provided, single submitter. Criteria: CeGaT Center For Human Genetics Tuebingen Variant Classification Criteria Version 2. Collection method: clinical testing. Allele origin: germline. Affected: yes. Observed: 1 variant allele.
Comment: EFCAB5: BP4, BP7, BS2